The following is an entry in ClinVar:

ClinVar aggregate classification (germline): Uncertain significance. Review status: criteria provided, multiple submitters, no conflicts (2 of 4 stars). 2 submissions from 2 submitters: Uncertain significance (2). Last evaluated 2025-09-19.

Conditions:
Hereditary cancer-predisposing syndrome. Also called: Neoplastic Syndromes, Hereditary; Tumor predisposition; Hereditary Cancer Syndrome; Hereditary neoplastic syndrome. Identifiers: Orphanet 140162, MedGen C0027672, MeSH D009386, MONDO:0015356.
Gastrointestinal stromal tumor. Also called: Gastrointestinal stromal tumor, somatic; Gastrointestinal stroma tumor. Identifiers: Orphanet 44890, MedGen C0238198, MeSH D046152, MONDO:0011719, OMIM 606764, HP:0100723.

Allele frequency attached by ClinVar (database versions not stated): gnomAD exomes below 0.00001; gnomAD 0.00001.
gnomAD v4.1: 4 of 1,613,942 alleles (0.00025%); highest among the groups gnomAD compares: South Asian, 0.0011%; no homozygotes.

Submissions (2):

Labcorp Genetics (formerly Invitae), Labcorp
Classification: Uncertain significance for Gastrointestinal stromal tumor. Last evaluated: 2025-09-19. Review status: criteria provided, single submitter. Criteria: Invitae Variant Classification Sherloc (09022015). Collection method: clinical testing. Allele origin: germline.
Comment: This sequence change replaces valine, which is neutral and non-polar, with isoleucine, which is neutral and non-polar, at codon 159 of the PDGFRA protein (p.Val159Ile). This variant is not present in population databases (gnomAD no frequency). This variant has not been reported in the literature in individuals affected with PDGFRA-related conditions. ClinVar contains an entry for this variant (Variation ID: 1742894). Invitae Evidence Modeling of protein sequence and biophysical properties (such as structural, functional, and spatial information, amino acid conservation, physicochemical variation, residue mobility, and thermodynamic stability) has been performed for this missense variant. However, the output from this modeling did not meet the statistical confidence thresholds required to predict the impact of this variant on PDGFRA protein function. In summary, the available evidence is currently insufficient to determine the role of this variant in disease. Therefore, it has been classified as a Variant of Uncertain Significance.

Ambry Genetics
Classification: Uncertain significance for Hereditary cancer-predisposing syndrome. Last evaluated: 2025-07-31. Review status: criteria provided, single submitter. Criteria: Ambry Variant Classification Scheme 2023. Collection method: clinical testing. Allele origin: germline.
Comment: The p.V159I variant (also known as c.475G>A), located in coding exon 3 of the PDGFRA gene, results from a G to A substitution at nucleotide position 475. The valine at codon 159 is replaced by isoleucine, an amino acid with highly similar properties. This amino acid position is conserved. In addition, this alteration is predicted to be tolerated by in silico analysis. Since supporting evidence is limited at this time, the clinical significance of this alteration remains unclear.

NM_006206.6(PDGFRA):c.475G>A (p.Val159Ile)

Gene: PDGFRA (platelet derived growth factor receptor alpha; plus strand). Cytogenetic location: 4q12.
Variant type: single nucleotide variant.
Coding change: c.475G>A on transcript NM_006206.6 (MANE Select); coding-DNA position 475, G replaced by A.
Protein change: p.Val159Ile; replaces valine 159 with isoleucine.
Molecular consequence: missense variant.
Genome position (GRCh38, 1-based): chr4:54,263,774, G>A. VCF-style: chr4-54263774-G-A. GRCh37 (hg19) VCF-style: chr4-55129941-G-A.
Other names: c.475G>A, p.Val159Ile (NM_001347827.2, NM_001347829.2); c.550G>A, p.Val184Ile (NM_001347828.2); c.514G>A, p.Val172Ile (NM_001347830.2); short protein forms V159I, V184I, V172I.
Identifiers: ClinVar variation 1742894 (VCV001742894.8), dbSNP rs1722881357, ClinGen allele CA356889901.
Genomic context (GRCh38, chr4:54,263,774, plus strand): 5'-ATCGTGGAGGATGATGATTCTGCCATTATACCTTGTCGCACAACTGATCCCGAGACTCCT[G>A]TAACCTTACACAACAGTGAGGGGGTGGTACCTGCCTCCTACGACAGCAGACAGGGCTTTA-3'
Protein context (NP_006197.1, residues 149-169): PCRTTDPETP[Val159Ile]TLHNSEGVVP